The following is an entry in ClinVar:

NM_198271.5(LMOD3):c.872A>C (p.Asn291Thr)

Gene: LMOD3 (leiomodin 3; minus strand). Cytogenetic location: 3p14.1.
Variant type: single nucleotide variant.
Coding change: c.872A>C on transcript NM_198271.5 (MANE Select); coding-DNA position 872, A replaced by C.
Protein change: p.Asn291Thr; replaces asparagine 291 with threonine.
Molecular consequence: missense variant.
Genome position (GRCh38, 1-based): chr3:69,119,483, T>G on the plus strand (A>C on the coding strand, the complement: LMOD3 is on the minus strand). VCF-style: chr3-69119483-T-G. GRCh37 (hg19) VCF-style: chr3-69168634-T-G.
Other names: c.872A>C, p.Asn291Thr (NM_001304418.3); short protein forms N291T.
Identifiers: ClinVar variation 1995152 (VCV001995152.4), dbSNP rs768467240, ClinGen allele CA353474247.

ClinVar aggregate classification (germline): Uncertain significance (1 of 4 stars; one submission).

Conditions:
Nemaline myopathy 10 (NEM10). Identifiers: MedGen C4015360, MONDO:0014513, OMIM 616165.

Submission:

Labcorp Genetics (formerly Invitae), Labcorp
Classification: Uncertain significance for Nemaline myopathy 10. Last evaluated: 2022-05-27. Review status: criteria provided, single submitter. Criteria: Invitae Variant Classification Sherloc (09022015). Collection method: clinical testing. Allele origin: germline.
Comment: This sequence change replaces asparagine, which is neutral and polar, with threonine, which is neutral and polar, at codon 291 of the LMOD3 protein (p.Asn291Thr). This variant is not present in population databases (gnomAD no frequency). This variant has not been reported in the literature in individuals affected with LMOD3-related conditions. Algorithms developed to predict the effect of missense changes on protein structure and function (SIFT, PolyPhen-2, Align-GVGD) all suggest that this variant is likely to be disruptive. In summary, the available evidence is currently insufficient to determine the role of this variant in disease. Therefore, it has been classified as a Variant of Uncertain Significance.